The following is an entry in ClinVar:

NM_021008.4(DEAF1):c.1338G>T (p.Glu446Asp)

Genes: DEAF1 (DEAF1 transcription factor; minus strand), LOC126861109 (BRD4-independent group 4 enhancer GRCh37_chr11:673917-675116; plus strand). Cytogenetic location: 11p15.5.
Variant type: single nucleotide variant.
Coding change: c.1338G>T on transcript NM_021008.4 (MANE Select); coding-DNA position 1338, G replaced by T.
Protein change: p.Glu446Asp; replaces glutamic acid 446 with aspartic acid.
Molecular consequence: missense variant.
Genome position (GRCh38, 1-based): chr11:674,701, C>A on the plus strand (G>T on the coding strand, the complement: DEAF1 is on the minus strand). VCF-style: chr11-674701-C-A. GRCh37 (hg19) VCF-style: chr11-674701-C-A.
Other names: c.1071G>T, p.Glu357Asp (NM_001293634.2); c.612G>T, p.Glu204Asp (NM_001367390.1); short protein forms E204D, E357D, E446D.
Identifiers: ClinVar variation 3234943 (VCV003234943.1), dbSNP rs1193542836, ClinGen allele CA378924286.
Genomic context (GRCh38, chr11:674,701, plus strand): 5'-TGTGTTGAGCAAGGAGTTGACCATCTCTTCTAGGTACAGCCAGCTCCGCGGCTCTGACAG[C>A]TCCAGCCCATTGACCAACGCGGGAGGTGCCGCTTTGGTGGGAGTCGGGGGTGGGACCGCC-3'
Protein context (NP_066288.2, residues 436-456): AAPPALVNGL[Glu446Asp]LSEPRSWLYL

ClinVar aggregate classification (germline): Uncertain significance (1 of 4 stars; one submission).

Conditions:
Intellectual disability, autosomal dominant 24 (VSVS). Also called: VULTO-VAN SILFHOUT-DE VRIES SYNDROME. Identifiers: MedGen C4014414, MONDO:0014357, OMIM 615828.

gnomAD v4.1: 14 of 1,614,018 alleles (0.00087%); highest among the groups gnomAD compares: South Asian, 0.015%; no homozygotes.

Submission:

Neuberg Centre For Genomic Medicine, NCGM
Classification: Uncertain significance for Intellectual disability, autosomal dominant 24. Review status: criteria provided, single submitter. Criteria: ACMG Guidelines, 2015. Collection method: clinical testing. Allele origin: germline. Inheritance: Autosomal dominant inheritance. Affected: yes.
Comment: The missense c.1338G>Tp.Glu446Asp variant in DEAF1 gene has not been reported previously as a pathogenic variant nor as a benign variant, to our knowledge. This variant is reported with the allele frequency of 0.002% in the gnomAD Exomes and novel in 1000 Genomes. The amino acid Glu at position 446 is changed to a Asp changing protein sequence and it might alter its composition and physico-chemical properties. The amino acid change p.Glu446Asp in DEAF1 is predicted as conserved by GERP++ and PhyloP across 100 vertebrates. For these reasons, this variant has been classified as Uncertain Significance.